The following is an entry in ClinVar:

ClinVar aggregate classification (germline): Uncertain significance (0 of 4 stars; one submission).

Conditions:
ATP8B1-related disorder. Also called: ATP8B1-related condition; ATP8B1-related disorders.

Submission:

PreventionGenetics, part of Exact Sciences
Classification: Uncertain significance for ATP8B1-related condition. Last evaluated: 2024-01-16. Review status: no assertion criteria provided. Collection method: clinical testing. Allele origin: germline.
Comment: The ATP8B1 c.3152C>G variant is predicted to result in the amino acid substitution p.Pro1051Arg. To our knowledge, this variant has not been reported in the literature or in a large population database, indicating this variant is rare. At this time, the clinical significance of this variant is uncertain due to the absence of conclusive functional and genetic evidence.

NM_001374385.1(ATP8B1):c.3152C>G (p.Pro1051Arg)

Genes: ATP8B1-AS1 (ATP8B1 antisense RNA 1; plus strand), ATP8B1 (ATPase phospholipid transporting 8B1; minus strand). Cytogenetic location: 18q21.31.
Variant type: single nucleotide variant.
Coding change: c.3152C>G on transcript NM_001374385.1 (MANE Select); coding-DNA position 3152, C replaced by G.
Protein change: p.Pro1051Arg; replaces proline 1051 with arginine.
Molecular consequence: missense variant.
Genome position (GRCh38, 1-based): chr18:57,652,593, G>C on the plus strand (C>G on the coding strand, the complement: ATP8B1 is on the minus strand). VCF-style: chr18-57652593-G-C. GRCh37 (hg19) VCF-style: chr18-55319825-G-C.
Other names: c.3002C>G, p.Pro1001Arg (NM_001374386.1); c.3152C>G, p.Pro1051Arg (NM_005603.6); short protein forms P1001R, P1051R.
Identifiers: ClinVar variation 3032514 (VCV003032514.2), dbSNP rs2511619509, ClinGen allele CA402544083.